The following is an entry in ClinVar:

NM_001297.5(CNGB1):c.2029C>T (p.Arg677Cys)

Gene: CNGB1 (cyclic nucleotide gated channel subunit beta 1; minus strand). Cytogenetic location: 16q21.
Variant type: single nucleotide variant.
Coding change: c.2029C>T on transcript NM_001297.5 (MANE Select); coding-DNA position 2029, C replaced by T.
Protein change: p.Arg677Cys; replaces arginine 677 with cysteine.
Molecular consequence: missense variant.
Genome position (GRCh38, 1-based): chr16:57,917,405, G>A on the plus strand (C>T on the coding strand, the complement: CNGB1 is on the minus strand). VCF-style: chr16-57917405-G-A. GRCh37 (hg19) VCF-style: chr16-57951309-G-A.
Other names: c.2011C>T, p.Arg671Cys (NM_001286130.2); c.2029C>T (NM_001297.4); short protein forms R671C, R677C.
Identifiers: ClinVar variation 1051630 (VCV001051630.13), dbSNP rs368329828, ClinGen allele CA8083195.

ClinVar aggregate classification (germline): Conflicting classifications of pathogenicity. Review status: criteria provided, conflicting classifications (1 of 4 stars). 5 submissions from 5 submitters: Pathogenic (2); Likely pathogenic (2); Uncertain significance (1). Last evaluated 2026-09-23.

Conditions:
Retinitis pigmentosa 45 (RP45). Identifiers: Orphanet 791, MedGen C3151066, MONDO:0013413, OMIM 613767.
CNGB1-related disorder. Also called: CNGB1-related condition.

Allele frequency attached by ClinVar (database versions not stated): gnomAD exomes 0.00008; ExAC 0.00010; ESP Exome Variant Server 0.00016; gnomAD 0.00029 and 0.00031; TOPMed 0.00032.

Submissions (5):

PreventionGenetics, part of Exact Sciences
Classification: Uncertain significance for CNGB1-related condition. Last evaluated: 2026-09-23. Review status: criteria provided, single submitter. Criteria: ACMG Guidelines, 2015. Collection method: clinical testing. Allele origin: germline.
Comment: The CNGB1 c.2029C>T variant is predicted to result in the amino acid substitution p.Arg677Cys. This variant has been reported, along with a second variant in the same gene, in an individual with retinitis pigmentosa (Table S2, Martin-Merida et al. 2019. PubMed ID: 30902645). However, this variant is present in 0.12% of alleles in individuals of African descent in gnomAD, indicating it is relatively common in this population. At this time, the clinical significance of this variant is uncertain due to the absence of conclusive functional and genetic evidence.

Labcorp Genetics (formerly Invitae), Labcorp
Classification: Pathogenic. Last evaluated: 2026-02-04. Review status: criteria provided, single submitter. Criteria: Invitae Variant Classification Sherloc (09022015). Collection method: clinical testing. Allele origin: germline.
Comment: This sequence change replaces arginine, which is basic and polar, with cysteine, which is neutral and slightly polar, at codon 677 of the CNGB1 protein (p.Arg677Cys). This variant is present in population databases (rs368329828, gnomAD 0.1%). This missense change has been observed in individual(s) with retinitis pigmentosa (PMID: 30902645; internal data). In at least one individual the data is consistent with being in trans (on the opposite chromosome) from a pathogenic variant. ClinVar contains an entry for this variant (Variation ID: 1051630). Invitae Evidence Modeling of protein sequence and biophysical properties (such as structural, functional, and spatial information, amino acid conservation, physicochemical variation, residue mobility, and thermodynamic stability) indicates that this missense variant is expected to disrupt CNGB1 protein function with a positive predictive value of 80%. Algorithms developed to predict the effect of sequence changes on RNA splicing suggest that this variant may create or strengthen a splice site. For these reasons, this variant has been classified as Pathogenic.

Fulgent Genetics
Classification: Likely pathogenic for Retinitis pigmentosa 45. Last evaluated: 2024-04-11. Review status: criteria provided, single submitter. Criteria: ACMG Guidelines, 2015. Collection method: clinical testing. Allele origin: germline.

Blueprint Genetics
Classification: Pathogenic for CNGB1-related disorders. Last evaluated: 2023-09-09. Review status: criteria provided, single submitter. Criteria: ACMG Guidelines, 2015. Collection method: clinical testing. Allele origin: germline. Affected: yes. Observed: 5 variant alleles.

Juno Genomics, Hangzhou Juno Genomics, Inc
Classification: Likely pathogenic for Retinitis pigmentosa 45. Review status: criteria provided, single submitter. Criteria: ACMG Guidelines, 2015. Collection method: clinical testing. Allele origin: germline.
Comment: Absent from controls (or at extremely low frequency if recessive) in Genome Aggregation Database.;For recessive disorders, detected in trans with a pathogenic variant.;Patient's phenotype or family history is highly specific for a disease with a single genetic etiology.

Literature cited by the submitters: PubMed 30902645 (cited by Labcorp Genetics (formerly Invitae), Labcorp).